The following is an entry in ClinVar:

NC_000014.8:g.(?_23874427)_(23901842_?)del

Genes: MYH6 (myosin heavy chain 6; minus strand), MYH7 (myosin heavy chain 7; minus strand), MIR208B (microRNA 208b; minus strand). Cytogenetic location: 14q11.2.
Variant type: Deletion.
Identifiers: ClinVar variation 1372544 (VCV001372544.6).

ClinVar aggregate classification (germline): Uncertain significance (1 of 4 stars; one submission).

Conditions:
Hypertrophic cardiomyopathy. Also called: HYPERTROPHIC MYOCARDIOPATHY. Identifiers: Orphanet 217569, MedGen C0007194, MeSH D002312, MONDO:0005045, HP:0001639.

Submission:

Labcorp Genetics (formerly Invitae), Labcorp
Classification: Uncertain significance for Hypertrophic cardiomyopathy. Last evaluated: 2020-11-10. Review status: criteria provided, single submitter. Criteria: Invitae Variant Classification Sherloc (09022015). Collection method: clinical testing. Allele origin: germline.
Comment: Experimental studies and prediction algorithms are not available or were not evaluated, and the functional significance of this variant is currently unknown. In summary, the available evidence is currently insufficient to determine the role of this variant in disease. Therefore, it has been classified as a Variant of Uncertain Significance. This variant has not been reported in the literature in individuals with MYH7-related conditions. This variant is a gross deletion of the genomic region encompassing exon(s) 6-40 of the MYH7 gene. The 5' boundary is likely confined to intron 5. The 3' end of this event is unknown as it extends through the termination codon beyond the assayed region for this gene and may encompass additional genes. While this deletion is not anticipated to lead to nonsense mediated decay, it is expected to alter mRNA translation or result in a truncated protein product.